The following is an entry in ClinVar:

NM_005076.5(CNTN2):c.992A>T (p.Lys331Ile)

Gene: CNTN2 (contactin 2; plus strand). Cytogenetic location: 1q32.1.
Variant type: single nucleotide variant.
Coding change: c.992A>T on transcript NM_005076.5 (MANE Select); coding-DNA position 992, A replaced by T.
Protein change: p.Lys331Ile; replaces lysine 331 with isoleucine.
Molecular consequence: missense variant. On other transcripts: non-coding transcript variant (1).
Genome position (GRCh38, 1-based): chr1:205,061,883, A>T. VCF-style: chr1-205061883-A-T. GRCh37 (hg19) VCF-style: chr1-205031011-A-T.
Other names: c.992A>T, p.Lys331Ile (NM_001346083.2); short protein forms K331I.
Identifiers: ClinVar variation 1518735 (VCV001518735.8), dbSNP rs1175397570, ClinGen allele CA344410042.

ClinVar aggregate classification (germline): Uncertain significance (1 of 4 stars; one submission).

Conditions:
Epilepsy, familial adult myoclonic, 5 (EPEO5). Also called: CORTICAL MYOCLONIC TREMOR WITH EPILEPSY, FAMILIAL, 5. Identifiers: Orphanet 86814, MedGen C3809374, MONDO:0014167, OMIM 615400.

Allele frequency attached by ClinVar (database versions not stated): gnomAD exomes below 0.00001; TOPMed below 0.00001.
gnomAD v4.1: 6 of 1,564,620 alleles (0.00038%); highest among the groups gnomAD compares: Admixed American, 0.0019%; no homozygotes.

Submission:

Labcorp Genetics (formerly Invitae), Labcorp
Classification: Uncertain significance for Epilepsy, familial adult myoclonic, 5. Last evaluated: 2021-05-26. Review status: criteria provided, single submitter. Criteria: Invitae Variant Classification Sherloc (09022015). Collection method: clinical testing. Allele origin: germline.
Comment: In summary, the available evidence is currently insufficient to determine the role of this variant in disease. Therefore, it has been classified as a Variant of Uncertain Significance. Advanced modeling of protein sequence and biophysical properties (such as structural, functional, and spatial information, amino acid conservation, physicochemical variation, residue mobility, and thermodynamic stability) performed at Invitae indicates that this missense variant is not expected to disrupt CNTN2 protein function. This variant has not been reported in the literature in individuals with CNTN2-related conditions. This variant is not present in population databases (ExAC no frequency). This sequence change replaces lysine with isoleucine at codon 331 of the CNTN2 protein (p.Lys331Ile). The lysine residue is moderately conserved and there is a moderate physicochemical difference between lysine and isoleucine.